The following is an entry in ClinVar:

NM_001195263.2(PDZD7):c.1505G>T (p.Arg502Leu)

Gene: PDZD7 (PDZ domain containing 7; minus strand). Cytogenetic location: 10q24.31.
Variant type: single nucleotide variant.
Coding change: c.1505G>T on transcript NM_001195263.2 (MANE Select); coding-DNA position 1505, G replaced by T.
Protein change: p.Arg502Leu; replaces arginine 502 with leucine.
Molecular consequence: missense variant. On other transcripts: synonymous variant (1).
Genome position (GRCh38, 1-based): chr10:101,018,116, C>A on the plus strand (G>T on the coding strand, the complement: PDZD7 is on the minus strand). VCF-style: chr10-101018116-C-A. GRCh37 (hg19) VCF-style: chr10-102777873-C-A.
Other names: c.1533G>T, p.Ser511= (NM_001351044.2); c.1505G>T, p.Arg502Leu (NM_024895.5); short protein forms R502L.
Identifiers: ClinVar variation 1518248 (VCV001518248.7), dbSNP rs768381051, ClinGen allele CA5654074.

ClinVar aggregate classification (germline): Uncertain significance. Review status: criteria provided, multiple submitters, no conflicts (2 of 4 stars). 2 submissions from 2 submitters: Uncertain significance (2). Last evaluated 2022-09-01.

Allele frequency attached by ClinVar (database versions not stated): gnomAD 0.00001.
gnomAD v4.1: 17 of 1,614,028 alleles (0.0011%); highest among the groups gnomAD compares: African/African-American, 0.0013%; no homozygotes.

Submissions (2):

Blueprint Genetics
Classification: Uncertain significance. Last evaluated: 2022-09-01. Review status: criteria provided, single submitter. Criteria: ACMG Guidelines, 2015. Collection method: clinical testing. Allele origin: germline.

Labcorp Genetics (formerly Invitae), Labcorp
Classification: Uncertain significance. Last evaluated: 2021-06-17. Review status: criteria provided, single submitter. Criteria: Invitae Variant Classification Sherloc (09022015). Collection method: clinical testing. Allele origin: germline.
Comment: In summary, the available evidence is currently insufficient to determine the role of this variant in disease. Therefore, it has been classified as a Variant of Uncertain Significance. Algorithms developed to predict the effect of missense changes on protein structure and function are either unavailable or do not agree on the potential impact of this missense change (SIFT: "Deleterious"; PolyPhen-2: "Not Available"; Align-GVGD: "Class C0"). This variant is present in population databases (rs768381051, ExAC 0.001%). This variant has not been reported in the literature in individuals with PDZD7-related conditions. This sequence change replaces arginine with leucine at codon 502 of the PDZD7 protein (p.Arg502Leu). The arginine residue is weakly conserved and there is a moderate physicochemical difference between arginine and leucine.